The following is an entry in ClinVar:

NM_030943.4(AMN):c.63C>T (p.Ser21=)

Gene: AMN (amnion associated transmembrane protein; plus strand). Cytogenetic location: 14q32.32.
Variant type: single nucleotide variant.
Coding change: c.63C>T on transcript NM_030943.4 (MANE Select); coding-DNA position 63, C replaced by T.
Protein change: p.Ser21=; no amino-acid change (serine 21 retained).
Molecular consequence: synonymous variant.
Genome position (GRCh38, 1-based): chr14:102,923,730, C>T. VCF-style: chr14-102923730-C-T. GRCh37 (hg19) VCF-style: chr14-103390067-C-T.
Other names: c.63C>T (NM_030943.3).
Identifiers: ClinVar variation 1165510 (VCV001165510.12), dbSNP rs150802428, ClinGen allele CA7359721.

ClinVar aggregate classification (germline): Benign/Likely benign. Review status: criteria provided, multiple submitters, no conflicts (2 of 4 stars). 3 submissions from 3 submitters: Benign (1); Likely benign (1). 1 of the submissions does not count toward it. Last evaluated 2026-01-24.

Conditions:
Imerslund-Grasbeck syndrome type 2. Also called: Megaloblastic anemia 1, Norwegian type; MEGALOBLASTIC ANEMIA, NORWEGIAN TYPE; Imerslund-Gräsbeck syndrome 2. Identifiers: MedGen C4016948, MONDO:0100157, OMIM 618882.
AMN-related disorder. Also called: AMN-related condition.
Imerslund-Grasbeck syndrome. Also called: ENTEROCYTE COBALAMIN MALABSORPTION; ENTEROCYTE INTRINSIC FACTOR RECEPTOR, DEFECT OF; PERNICIOUS ANEMIA, JUVENILE, DUE TO SELECTIVE INTESTINAL MALABSORPTION OF VITAMIN B12, WITH PROTEINURIA; Imerslund-Gräsbeck syndrome; Megaloblastic anemia due to inborn errors of metabolism. Identifiers: Orphanet 35858, MedGen C4551825, MONDO:0009853.

Allele frequency attached by ClinVar (database versions not stated): gnomAD exomes 0.00004 and 0.00012; ExAC 0.00017; gnomAD 0.00048 and 0.00051; TOPMed 0.00054; ESP Exome Variant Server 0.00077; 1000 Genomes Project 0.00100; 1000 Genomes Project 30x 0.00125.
gnomAD v4.1: 137 of 1,612,818 alleles (0.0085%); highest among the groups gnomAD compares: African/African-American, 0.17%; 1 homozygote.

Submissions (3):

Labcorp Genetics (formerly Invitae), Labcorp
Classification: Benign for Imerslund-Grasbeck syndrome. Last evaluated: 2026-01-24. Review status: criteria provided, single submitter. Criteria: Invitae Variant Classification Sherloc (09022015). Collection method: clinical testing. Allele origin: germline.

Fulgent Genetics
Classification: Likely benign for Imerslund-Grasbeck syndrome type 2. Last evaluated: 2021-12-05. Review status: criteria provided, single submitter. Criteria: ACMG Guidelines, 2015. Collection method: clinical testing. Allele origin: unknown.

PreventionGenetics, part of Exact Sciences
Classification: Likely benign for AMN-related condition. Last evaluated: 2019-04-09. Review status: no assertion criteria provided. Collection method: clinical testing. Allele origin: germline. Not counted in ClinVar's aggregate classification.
Comment: This variant is classified as likely benign based on ACMG/AMP sequence variant interpretation guidelines (Richards et al. 2015 PMID: 25741868, with internal and published modifications).